The following is an entry in ClinVar:

ClinVar aggregate classification (germline): Uncertain significance. Review status: criteria provided, multiple submitters, no conflicts (2 of 4 stars). 2 submissions from 2 submitters: Uncertain significance (2). Last evaluated 2022-11-05.

Conditions:
Autosomal dominant hypocalcemia 1 (HYPOC1). Also called: HYPOCALCEMIA, FAMILIAL. Identifiers: MedGen C3715128, MONDO:0011013, OMIM 601198.
Familial hypocalciuric hypercalcemia (FHH). Also called: Familial benign hypercalcemia. Identifiers: Orphanet 405, MedGen C1809471, MONDO:0018458.
Nephrolithiasis/nephrocalcinosis. Identifiers: MedGen CN580796.

Submissions (2):

Ambry Genetics
Classification: Uncertain significance for Nephrolithiasis/nephrocalcinosis. Last evaluated: 2022-11-05. Review status: criteria provided, single submitter. Criteria: Ambry Variant Classification Scheme 2023. Collection method: clinical testing. Allele origin: germline.
Comment: The p.S132L variant (also known as c.395C>T), located in coding exon 2 of the CASR gene, results from a C to T substitution at nucleotide position 395. The serine at codon 132 is replaced by leucine, an amino acid with dissimilar properties. This amino acid position is conserved. In addition, the in silico prediction for this alteration is inconclusive. Since supporting evidence is limited at this time, the clinical significance of this alteration remains unclear.

Labcorp Genetics (formerly Invitae), Labcorp
Classification: Uncertain significance for Familial hypocalciuric hypercalcemia; Autosomal dominant hypocalcemia 1. Last evaluated: 2021-07-14. Review status: criteria provided, single submitter. Criteria: Invitae Variant Classification Sherloc (09022015). Collection method: clinical testing. Allele origin: germline.
Comment: This sequence change replaces serine with leucine at codon 132 of the CASR protein (p.Ser132Leu). The serine residue is highly conserved and there is a large physicochemical difference between serine and leucine. This variant is not present in population databases (ExAC no frequency). This variant has not been reported in the literature in individuals with CASR-related disease. ClinVar contains an entry for this variant (Variation ID: 410352). Algorithms developed to predict the effect of missense changes on protein structure and function are either unavailable or do not agree on the potential impact of this missense change (SIFT: "Deleterious"; PolyPhen-2: "Benign"; Align-GVGD: "Class C25"). In summary, the available evidence is currently insufficient to determine the role of this variant in disease. Therefore, it has been classified as a Variant of Uncertain Significance.

NM_000388.4(CASR):c.395C>T (p.Ser132Leu)

Gene: CASR (calcium sensing receptor; plus strand). Cytogenetic location: 3q21.1.
Variant type: single nucleotide variant.
Coding change: c.395C>T on transcript NM_000388.4 (MANE Select); coding-DNA position 395, C replaced by T.
Protein change: p.Ser132Leu; replaces serine 132 with leucine.
Molecular consequence: missense variant.
Genome position (GRCh38, 1-based): chr3:122,257,290, C>T. VCF-style: chr3-122257290-C-T. GRCh37 (hg19) VCF-style: chr3-121976137-C-T.
Other names: c.395C>T, p.Ser132Leu (NM_001178065.2); short protein forms S132L.
Identifiers: ClinVar variation 410352 (VCV000410352.11), dbSNP rs1060502857, ClinGen allele CA16611288.